The following is an entry in ClinVar:

ClinVar aggregate classification (germline): Uncertain significance (1 of 4 stars; one submission).

Conditions:
Familial hemiplegic migraine. Identifiers: MedGen C0338484, MONDO:0000700.

Allele frequency attached by ClinVar (database versions not stated): gnomAD exomes below 0.00001.
gnomAD v4.1: 2 of 1,614,002 alleles (0.00012%); highest among the groups gnomAD compares: Non-Finnish European, 0.00017%; no homozygotes.

Submission:

Labcorp Genetics (formerly Invitae), Labcorp
Classification: Uncertain significance for Familial hemiplegic migraine. Last evaluated: 2023-11-01. Review status: criteria provided, single submitter. Criteria: Invitae Variant Classification Sherloc (09022015). Collection method: clinical testing. Allele origin: germline.
Comment: This sequence change replaces isoleucine, which is neutral and non-polar, with valine, which is neutral and non-polar, at codon 755 of the ATP1A2 protein (p.Ile755Val). This variant is not present in population databases (gnomAD no frequency). This variant has not been reported in the literature in individuals affected with ATP1A2-related conditions. ClinVar contains an entry for this variant (Variation ID: 581936). Advanced modeling of protein sequence and biophysical properties (such as structural, functional, and spatial information, amino acid conservation, physicochemical variation, residue mobility, and thermodynamic stability) performed at Invitae indicates that this missense variant is not expected to disrupt ATP1A2 protein function with a negative predictive value of 80%. In summary, the available evidence is currently insufficient to determine the role of this variant in disease. Therefore, it has been classified as a Variant of Uncertain Significance.

NM_000702.4(ATP1A2):c.2263A>G (p.Ile755Val)

Gene: ATP1A2 (ATPase Na+/K+ transporting subunit alpha 2; plus strand). Cytogenetic location: 1q23.2.
Variant type: single nucleotide variant.
Coding change: c.2263A>G on transcript NM_000702.4 (MANE Select); coding-DNA position 2263, A replaced by G.
Protein change: p.Ile755Val; replaces isoleucine 755 with valine.
Molecular consequence: missense variant.
Genome position (GRCh38, 1-based): chr1:160,135,581, A>G. VCF-style: chr1-160135581-A-G. GRCh37 (hg19) VCF-style: chr1-160105371-A-G.
Other names: short protein forms I755V.
Identifiers: ClinVar variation 581936 (VCV000581936.8), dbSNP rs1038057853, ClinGen allele CA31501204.
Genomic context (GRCh38, chr1:160,135,581, plus strand): 5'-GGCTCTGACGTCTCTAAGCAGGCAGCCGACATGATCCTGCTGGATGACAACTTTGCCTCC[A>G]TCGTCACGGGGGTGGAGGAGGGTGAGGAGGCTGCATGGGTTGGGATGGTTTGCAGGATAC-3'
Protein context (NP_000693.1, residues 745-765): MILLDDNFAS[Ile755Val]VTGVEEGRLI